The following is an entry in ClinVar:

ClinVar aggregate classification (germline): Uncertain significance (1 of 4 stars; one submission).

Conditions:
Hereditary cancer-predisposing syndrome. Also called: Tumor predisposition; Hereditary Cancer Syndrome; Neoplastic Syndromes, Hereditary; Hereditary neoplastic syndrome. Identifiers: Orphanet 140162, MedGen C0027672, MeSH D009386, MONDO:0015356.

Submission:

Ambry Genetics
Classification: Uncertain significance for Hereditary cancer-predisposing syndrome. Last evaluated: 2022-07-02. Review status: criteria provided, single submitter. Criteria: Ambry Variant Classification Scheme 2023. Collection method: clinical testing. Allele origin: germline.
Comment: The p.F887L variant (also known as c.2661C>G), located in coding exon 19 of the KIT gene, results from a C to G substitution at nucleotide position 2661. The phenylalanine at codon 887 is replaced by leucine, an amino acid with highly similar properties. This amino acid position is conserved. In addition, the in silico prediction for this alteration is inconclusive. Since supporting evidence is limited at this time, the clinical significance of this alteration remains unclear.

NM_000222.3(KIT):c.2661C>G (p.Phe887Leu)

Gene: KIT (KIT proto-oncogene, receptor tyrosine kinase; plus strand). Cytogenetic location: 4q12.
Variant type: single nucleotide variant.
Coding change: c.2661C>G on transcript NM_000222.3 (MANE Select); coding-DNA position 2661, C replaced by G.
Protein change: p.Phe887Leu; replaces phenylalanine 887 with leucine.
Molecular consequence: missense variant.
Genome position (GRCh38, 1-based): chr4:54,736,785, C>G. VCF-style: chr4-54736785-C-G. GRCh37 (hg19) VCF-style: chr4-55602951-C-G.
Other names: c.2649C>G, p.Phe883Leu (NM_001093772.2, NM_001385292.1); c.2664C>G, p.Phe888Leu (NM_001385284.1); c.2658C>G, p.Phe886Leu (NM_001385285.1); c.2646C>G, p.Phe882Leu (NM_001385286.1); c.2652C>G, p.Phe884Leu (NM_001385288.1); c.2661C>G, p.Phe887Leu (NM_001385290.1); short protein forms F882L, F884L, F887L, F888L, F886L, F883L.
Identifiers: ClinVar variation 1794451 (VCV001794451.2), dbSNP rs771168804, ClinGen allele CA356913953.